The following is an entry in ClinVar:

NM_001127464.1:c.10354C>T

Gene: ZNF469 (zinc finger protein 469; plus strand).
Variant type: single nucleotide variant.
Identifiers: ClinVar variation 4615521 (VCV004615521.1).

ClinVar aggregate classification (germline): Uncertain significance (1 of 4 stars; one submission).

Conditions:
Cardiovascular phenotype. Identifiers: MedGen CN230736.

Submission:

Ambry Genetics
Classification: Uncertain significance for Cardiovascular phenotype. Last evaluated: 2025-11-24. Review status: criteria provided, single submitter. Criteria: Ambry Variant Classification Scheme 2023. Collection method: clinical testing. Allele origin: germline.
Comment: The p.P3452S variant (also known as c.10354C>T), located in coding exon 2 of the ZNF469 gene, results from a C to T substitution at nucleotide position 10354. The proline at codon 3452 is replaced by serine, an amino acid with similar properties. This amino acid position is conserved. In addition, this alteration is predicted to be tolerated by in silico analysis. Based on the available evidence, the clinical significance of this variant remains unclear.